The following is an entry in ClinVar:

ClinVar aggregate classification (germline): Uncertain significance. Review status: criteria provided, multiple submitters, no conflicts (2 of 4 stars). 2 submissions from 2 submitters: Uncertain significance (2). Last evaluated 2023-03-07.

Conditions:
Hereditary cancer-predisposing syndrome. Also called: Tumor predisposition; Hereditary neoplastic syndrome; Hereditary Cancer Syndrome; Neoplastic Syndromes, Hereditary. Identifiers: Orphanet 140162, MedGen C0027672, MeSH D009386, MONDO:0015356.
Hereditary breast ovarian cancer syndrome. Also called: BRCA1- and BRCA2-Associated Hereditary Breast and Ovarian Cancer; Hereditary breast and ovarian cancer; Hereditary breast and/or ovarian cancer syndrome; Hereditary breast and ovarian cancer syndrome; Hereditary breast and ovarian cancer syndrome (HBOC); Breast and ovarian cancer. Identifiers: Orphanet 145, MedGen C0677776, MeSH D061325, MONDO:0003582. Disease mechanism: loss of function.

Allele frequency attached by ClinVar (database versions not stated): gnomAD exomes below 0.00001.
gnomAD v4.1: 1 of 1,612,688 alleles (0.000062%); highest among the groups gnomAD compares: Non-Finnish European, 0.000085%; no homozygotes.

Submissions (2):

Ambry Genetics
Classification: Uncertain significance for Hereditary cancer-predisposing syndrome. Last evaluated: 2023-03-07. Review status: criteria provided, single submitter. Criteria: Ambry Variant Classification Scheme 2023. Collection method: clinical testing. Allele origin: germline.
Comment: The p.G1384W variant (also known as c.4150G>T), located in coding exon 10 of the BRCA1 gene, results from a G to T substitution at nucleotide position 4150. The glycine at codon 1384 is replaced by tryptophan, an amino acid with highly dissimilar properties. This amino acid position is not well conserved in available vertebrate species. In addition, the in silico prediction for this alteration is inconclusive. Since supporting evidence is limited at this time, the clinical significance of this alteration remains unclear.

Labcorp Genetics (formerly Invitae), Labcorp
Classification: Uncertain significance for Hereditary breast ovarian cancer syndrome. Last evaluated: 2019-08-20. Review status: criteria provided, single submitter. Criteria: Invitae Variant Classification Sherloc (09022015). Collection method: clinical testing. Allele origin: germline.
Comment: This sequence change replaces glycine with tryptophan at codon 1384 of the BRCA1 protein (p.Gly1384Trp). The glycine residue is weakly conserved and there is a large physicochemical difference between glycine and tryptophan. This variant is not present in population databases (ExAC no frequency). This variant has not been reported in the literature in individuals with BRCA1-related conditions. Algorithms developed to predict the effect of missense changes on protein structure and function are either unavailable or do not agree on the potential impact of this missense change (SIFT: "Deleterious"; PolyPhen-2: "Possibly Damaging"; Align-GVGD: "Class C0"). In summary, the available evidence is currently insufficient to determine the role of this variant in disease. Therefore, it has been classified as a Variant of Uncertain Significance.

NM_007294.4(BRCA1):c.4150G>T (p.Gly1384Trp)

Gene: BRCA1 (BRCA1 DNA repair associated; minus strand). Cytogenetic location: 17q21.31.
Variant type: single nucleotide variant.
Coding change: c.4150G>T on transcript NM_007294.4 (MANE Select); coding-DNA position 4150, G replaced by T.
Protein change: p.Gly1384Trp; replaces glycine 1384 with tryptophan.
Molecular consequence: missense variant. On other transcripts: non-coding transcript variant (1).
Genome position (GRCh38, 1-based): chr17:43,090,979, C>A on the plus strand (G>T on the coding strand, the complement: BRCA1 is on the minus strand). VCF-style: chr17-43090979-C-A. GRCh37 (hg19) VCF-style: chr17-41242996-C-A.
Other names: c.3937G>T, p.Gly1313Trp (NM_001407853.1, NM_001407897.1, NM_001407898.1 and 9 more transcripts); c.4150G>T, p.Gly1384Trp (NM_001407854.1, NM_001407858.1, NM_001407859.1 and 30 more transcripts); c.4147G>T, p.Gly1383Trp (NM_001407860.1, NM_001407861.1, NM_001407587.1 and 22 more transcripts); c.3949G>T, p.Gly1317Trp (NM_001407862.1); c.4027G>T, p.Gly1343Trp (NM_001407863.1, NM_001407937.1, NM_001407938.1 and 19 more transcripts); c.3946G>T, p.Gly1316Trp (NM_001407874.1, NM_001407875.1); c.3940G>T, p.Gly1314Trp (NM_001407900.1, NM_001407902.1, NM_001407904.1 and 13 more transcripts); c.3883G>T, p.Gly1295Trp (NM_001407931.1, NM_001407932.1, NM_001407934.1 and 2 more transcripts); and 41 more; short protein forms G1337W, G1384W, G281W, G1257W, G1295W, G1296W, G1313W, G1342W.
Identifiers: ClinVar variation 964444 (VCV000964444.13), dbSNP rs1555586146, ClinGen allele CA10593420.
Genomic context (GRCh38, chr17:43,090,979, plus strand): 5'-GTGCACACACACACACGCTTTTTACCTGAGTGGTTAAAATGTCACTCTGAGAGGATAGCC[C>A]TGAGCAGTCTTCAGAGACGCTTGTTTCACTCTCACACCCAGATGCTGCTTCACCTTAAAT-3'
Protein context (NP_009225.1, residues 1374-1394): SETSVSEDCS[Gly1384Trp]LSSQSDILTT